The following is an entry in ClinVar:

NM_000051.4(ATM):c.95G>T (p.Arg32Leu)

Gene: ATM (ATM serine/threonine kinase; plus strand). Cytogenetic location: 11q22.3.
Variant type: single nucleotide variant.
Coding change: c.95G>T on transcript NM_000051.4 (MANE Select); coding-DNA position 95, G replaced by T.
Protein change: p.Arg32Leu; replaces arginine 32 with leucine.
Molecular consequence: missense variant.
Genome position (GRCh38, 1-based): chr11:108,227,798, G>T. VCF-style: chr11-108227798-G-T. GRCh37 (hg19) VCF-style: chr11-108098525-G-T.
Other names: c.95G>T, p.Arg32Leu (NM_001351834.2, NM_001351835.2, NM_001351836.2); short protein forms R32L.
Identifiers: ClinVar variation 524321 (VCV000524321.11), dbSNP rs368161489, ClinGen allele CA6264515.

ClinVar aggregate classification (germline): Uncertain significance. Review status: criteria provided, multiple submitters, no conflicts (2 of 4 stars). 4 submissions from 4 submitters: Uncertain significance (3). 1 of the submissions does not count toward it. Last evaluated 2025-03-04.

Conditions:
Hereditary cancer-predisposing syndrome. Also called: Neoplastic Syndromes, Hereditary; Tumor predisposition; Hereditary Cancer Syndrome; Hereditary neoplastic syndrome. Identifiers: Orphanet 140162, MedGen C0027672, MeSH D009386, MONDO:0015356.
Familial cancer of breast. Also called: hereditary breast carcinoma; BREAST CANCER, FAMILIAL; Hereditary breast cancer. Identifiers: Orphanet 227535, MedGen C0346153, MONDO:0016419, OMIM 114480. Disease mechanism: loss of function.
Ataxia-telangiectasia syndrome (AT). Also called: ATAXIA-TELANGIECTASIA, COMPLEMENTATION GROUP A; ATAXIA-TELANGIECTASIA, FRESNO VARIANT; Ataxia-telangiectasia; Ataxia-telangiectasia, complementation group D; AT, COMPLEMENTATION GROUP C; Ataxia-telangiectasia, complementation group E. Identifiers: Orphanet 100, MedGen C0004135, MONDO:0008840, OMIM 208900.

Allele frequency attached by ClinVar (database versions not stated): TOPMed 0.00001; ESP Exome Variant Server 0.00008.
gnomAD v4.1: 3 of 1,613,508 alleles (0.00019%); highest among the groups gnomAD compares: African/African-American, 0.0013%; no homozygotes.

Submissions (4):

Ambry Genetics
Classification: Uncertain significance for Hereditary cancer-predisposing syndrome. Last evaluated: 2025-03-04. Review status: criteria provided, single submitter. Criteria: Ambry Variant Classification Scheme 2023. Collection method: clinical testing. Allele origin: germline.
Comment: The p.R32L variant (also known as c.95G>T), located in coding exon 2 of the ATM gene, results from a G to T substitution at nucleotide position 95. The arginine at codon 32 is replaced by leucine, an amino acid with dissimilar properties. This variant was observed in an individual with early-onset breast cancer amongst a cohort of 1781 non-Ashkenazi Jewish individuals undergoing BRCA1/2 gene testing based on a personal history of breast cancer (Tung N et al. Cancer, 2015 Jan;121:25-33). This amino acid position is well conserved in available vertebrate species. In addition, this alteration is predicted to be tolerated by in silico analysis. Since supporting evidence is limited at this time, the clinical significance of this alteration remains unclear.

Baylor Genetics
Classification: Uncertain significance for Familial cancer of breast. Last evaluated: 2023-08-11. Review status: criteria provided, single submitter. Criteria: ACMG Guidelines, 2015. Collection method: clinical testing. Allele origin: unknown.

Labcorp Genetics (formerly Invitae), Labcorp
Classification: Uncertain significance for Ataxia-telangiectasia syndrome. Last evaluated: 2023-07-08. Review status: criteria provided, single submitter. Criteria: Invitae Variant Classification Sherloc (09022015). Collection method: clinical testing. Allele origin: germline.
Comment: In summary, the available evidence is currently insufficient to determine the role of this variant in disease. Therefore, it has been classified as a Variant of Uncertain Significance. Advanced modeling of protein sequence and biophysical properties (such as structural, functional, and spatial information, amino acid conservation, physicochemical variation, residue mobility, and thermodynamic stability) performed at Invitae indicates that this missense variant is not expected to disrupt ATM protein function. ClinVar contains an entry for this variant (Variation ID: 524321). This sequence change replaces arginine, which is basic and polar, with leucine, which is neutral and non-polar, at codon 32 of the ATM protein (p.Arg32Leu). This variant is present in population databases (rs368161489, gnomAD 0.0009%). This variant has not been reported in the literature in individuals affected with ATM-related conditions.

Natera, Inc.
Classification: Uncertain significance for Ataxia-telangiectasia. Last evaluated: 2025-02-22. Review status: no assertion criteria provided. Collection method: clinical testing. Allele origin: germline. Not counted in ClinVar's aggregate classification.

Literature cited by the submitters: PubMed 25186627 (cited by Ambry Genetics).